The following is an entry in ClinVar:

ClinVar aggregate classification (germline): Likely benign (0 of 4 stars; one submission).

Conditions:
CPZ-related disorder. Also called: CPZ-related condition.

Allele frequency attached by ClinVar (database versions not stated): ESP Exome Variant Server 0.00069.
gnomAD v4.1: 1,449 of 1,600,734 alleles (0.091%); highest among the groups gnomAD compares: Non-Finnish European, 0.12%; 2 homozygotes.

Submission:

PreventionGenetics, part of Exact Sciences
Classification: Likely benign for CPZ-related condition. Last evaluated: 2020-02-11. Review status: no assertion criteria provided. Collection method: clinical testing. Allele origin: germline.
Comment: This variant is classified as likely benign based on ACMG/AMP sequence variant interpretation guidelines (Richards et al. 2015 PMID: 25741868, with internal and published modifications).

NM_001014447.3(CPZ):c.366C>T (p.Cys122=)

Gene: CPZ (carboxypeptidase Z; plus strand). Cytogenetic location: 4p16.1.
Variant type: single nucleotide variant.
Coding change: c.366C>T on transcript NM_001014447.3 (MANE Select); coding-DNA position 366, C replaced by T.
Protein change: p.Cys122=; no amino-acid change (cysteine 122 retained).
Molecular consequence: synonymous variant. On other transcripts: 5 prime UTR variant (1).
Genome position (GRCh38, 1-based): chr4:8,601,367, C>T. VCF-style: chr4-8601367-C-T. GRCh37 (hg19) VCF-style: chr4-8603094-C-T.
Other names: c.-46C>T (NM_001014448.3); c.333C>T, p.Cys111= (NM_003652.4).
Identifiers: ClinVar variation 3045123 (VCV003045123.2), dbSNP rs143245050, ClinGen allele CA2853130.
Genomic context (GRCh38, chr4:8,601,367, plus strand): 5'-TGCTGTGCTGGCCCCCCGGTGTGAGGGCGGCTGGGTGCGCAGACCCTGCCGGCACATCTG[C>T]GAGGGCCTGCGGGAGGTCTGCCAGCCCGCCTTCGACGCCATTGACATGGCCTGGCCCTAC-3'
Protein context (NP_001014447.2, residues 112-132): GWVRRPCRHI[Cys122=]EGLREVCQPA